The following is an entry in ClinVar:

ClinVar aggregate classification (germline): Likely benign (0 of 4 stars; one submission).

Conditions:
ITGA2-related disorder. Also called: ITGA2-related condition.

gnomAD v4.1: 44 of 1,607,492 alleles (0.0027%); highest among the groups gnomAD compares: East Asian, 0.0067%; no homozygotes.

Submission:

PreventionGenetics, part of Exact Sciences
Classification: Likely benign for ITGA2-related condition. Last evaluated: 2019-06-11. Review status: no assertion criteria provided. Collection method: clinical testing. Allele origin: germline.
Comment: This variant is classified as likely benign based on ACMG/AMP sequence variant interpretation guidelines (Richards et al. 2015 PMID: 25741868, with internal and published modifications).

NM_002203.4(ITGA2):c.3259-8T>C

Gene: ITGA2 (integrin subunit alpha 2; plus strand). Cytogenetic location: 5q11.2.
Variant type: single nucleotide variant.
Coding change: c.3259-8T>C on transcript NM_002203.4 (MANE Select); 8 bases into the intron before coding-DNA position 3259, T replaced by C.
Molecular consequence: intron variant.
Genome position (GRCh38, 1-based): chr5:53,086,944, T>C. VCF-style: chr5-53086944-T-C. GRCh37 (hg19) VCF-style: chr5-52382774-T-C.
Identifiers: ClinVar variation 3352380 (VCV003352380.1).